The following is an entry in ClinVar:

ClinVar aggregate classification (germline): Likely benign. Review status: criteria provided, multiple submitters, no conflicts (2 of 4 stars). 3 submissions from 3 submitters: Likely benign (3). Last evaluated 2024-03-17.

Allele frequency attached by ClinVar (database versions not stated): gnomAD exomes 0.00001.

Submissions (3):

Labcorp Genetics (formerly Invitae), Labcorp
Classification: Likely benign. Last evaluated: 2024-03-17. Review status: criteria provided, single submitter. Criteria: Invitae Variant Classification Sherloc (09022015). Collection method: clinical testing. Allele origin: germline.

CeGaT Center for Human Genetics Tuebingen
Classification: Likely benign. Last evaluated: 2024-01-01. Review status: criteria provided, single submitter. Criteria: CeGaT Center For Human Genetics Tuebingen Variant Classification Criteria Version 2. Collection method: clinical testing. Allele origin: germline. Affected: yes. Observed: 1 variant allele.
Comment: STAG2: BP4, BP7

Blueprint Genetics
Classification: Likely benign. Last evaluated: 2023-11-03. Review status: criteria provided, single submitter. Criteria: ACMG Guidelines, 2015. Collection method: clinical testing. Allele origin: germline.

NM_001042750.2(STAG2):c.2961G>T (p.Pro987=)

Gene: STAG2 (STAG2 cohesin complex component; plus strand). Cytogenetic location: Xq25.
Variant type: single nucleotide variant.
Coding change: c.2961G>T on transcript NM_001042750.2 (MANE Select); coding-DNA position 2961, G replaced by T.
Protein change: p.Pro987=; no amino-acid change (proline 987 retained).
Molecular consequence: synonymous variant.
Genome position (GRCh38, 1-based): chrX:124,083,457, G>T. VCF-style: chrX-124083457-G-T. GRCh37 (hg19) VCF-style: chrX-123217307-G-T.
Other names: c.2961G>T, p.Pro987= (NM_001042749.2, NM_001042751.2, NM_001282418.2 and 13 more transcripts).
Identifiers: ClinVar variation 1594863 (VCV001594863.32), dbSNP rs761983006, ClinGen allele CA10509090.
Genomic context (GRCh38, chrX:124,083,457, plus strand): 5'-ATTATTTTTTGTTTTCCTTTGCAGAGATGGCATAGAATTTGCTTTTAAAGAGCCTAATCC[G>T]CAAGGGGAGAGCCATCCACCTTTAAATTTGGCATTTCTTGATATTCTGAGTGAATTTTCT-3'
Protein context (NP_001036215.1, residues 977-997): GIEFAFKEPN[Pro987=]QGESHPPLNL